The following is an entry in ClinVar:

NM_017813.5(BPNT2):c.*2631A>G

Gene: BPNT2 (3'(2'), 5'-bisphosphate nucleotidase 2; minus strand). Cytogenetic location: 8q12.1.
Variant type: single nucleotide variant.
Coding change: c.*2631A>G on transcript NM_017813.5 (MANE Select); 2631 bases downstream of the stop codon, A replaced by G.
Molecular consequence: 3 prime UTR variant.
Genome position (GRCh38, 1-based): chr8:56,961,162, T>C on the plus strand (A>G on the coding strand, the complement: BPNT2 is on the minus strand). VCF-style: chr8-56961162-T-C. GRCh37 (hg19) VCF-style: chr8-57873721-T-C.
Identifiers: ClinVar variation 911278 (VCV000911278.4), dbSNP rs151168258, ClinGen allele CA177764611.

ClinVar aggregate classification (germline): Benign (1 of 4 stars; one submission).

Conditions:
Chondrodysplasia with joint dislocations, gPAPP type. Also called: GPAPP DEFICIENCY. Identifiers: Orphanet 280586, MedGen C3279757, MONDO:0013561, OMIM 614078.

Allele frequency attached by ClinVar (database versions not stated): 1000 Genomes Project 30x 0.00750; gnomAD 0.00767 and 0.00786; TOPMed 0.00778; 1000 Genomes Project 0.00779.

Submission:

Illumina Laboratory Services, Illumina
Classification: Benign for Chondrodysplasia with joint dislocations, gPAPP type. Last evaluated: 2018-01-13. Review status: criteria provided, single submitter. Criteria: ICSL Variant Classification Criteria 13 December 2019. Collection method: clinical testing. Allele origin: germline.
Comment: This variant was observed in the ICSL laboratory as part of a predisposition screen in an ostensibly healthy population. It had not been previously curated by ICSL or reported in the Human Gene Mutation Database (HGMD: prior to June 1st, 2018), and was therefore a candidate for classification through an automated scoring system. Utilizing variant allele frequency, disease prevalence and penetrance estimates, and inheritance mode, an automated score was calculated to assess if this variant is too frequent to cause the disease. Based on the score and internal cut-off values, a variant classified as benign is not then subjected to further curation. The score for this variant resulted in a classification of benign for this disease.